The following is an entry in ClinVar:

NM_001211.6(BUB1B):c.1195T>C (p.Cys399Arg)

Gene: BUB1B (BUB1 mitotic checkpoint serine/threonine kinase B; plus strand). Cytogenetic location: 15q15.1.
Variant type: single nucleotide variant.
Coding change: c.1195T>C on transcript NM_001211.6 (MANE Select); coding-DNA position 1195, T replaced by C.
Protein change: p.Cys399Arg; replaces cysteine 399 with arginine.
Molecular consequence: missense variant.
Genome position (GRCh38, 1-based): chr15:40,196,681, T>C. VCF-style: chr15-40196681-T-C. GRCh37 (hg19) VCF-style: chr15-40488882-T-C.
Other names: short protein forms C399R.
Identifiers: ClinVar variation 3993721 (VCV003993721.1).
Genomic context (GRCh38, chr15:40,196,681, plus strand): 5'-CTACAAAGGGTTCAGAGCCATCAGCAAGCGTCTGAGGAGAAGAAAGAGAAGATGATGTAT[T>C]GTAAGGAGAAGATTTATGCAGGAGTAGGGGAATTCTCCTTTGAAGAAATTCGGGCTGAAG-3'
Protein context (NP_001202.5, residues 389-409): SEEKKEKMMY[Cys399Arg]KEKIYAGVGE

ClinVar aggregate classification (germline): Uncertain significance (1 of 4 stars; one submission).

Conditions:
Inborn genetic diseases. Identifiers: MedGen C0950123, MeSH D030342.

Submission:

Ambry Genetics
Classification: Uncertain significance for Inborn genetic diseases. Last evaluated: 2025-05-09. Review status: criteria provided, single submitter. Criteria: Ambry Variant Classification Scheme 2023. Collection method: clinical testing. Allele origin: germline.
Comment: The p.C399R variant (also known as c.1195T>C), located in coding exon 9 of the BUB1B gene, results from a T to C substitution at nucleotide position 1195. The cysteine at codon 399 is replaced by arginine, an amino acid with highly dissimilar properties. This amino acid position is conserved. In addition, the in silico prediction for this alteration is inconclusive. Based on the available evidence, the clinical significance of this variant remains unclear.